The following is an entry in ClinVar:

NM_001401501.2(MUC16):c.37798+9T>C

Gene: MUC16 (mucin 16, cell surface associated; minus strand). Cytogenetic location: 19p13.2.
Variant type: single nucleotide variant.
Coding change: c.37798+9T>C on transcript NM_001401501.2 (MANE Select); 9 bases into the intron after coding-DNA position 37798, T replaced by C.
Molecular consequence: intron variant.
Genome position (GRCh38, 1-based): chr19:8,908,590, A>G on the plus strand (T>C on the coding strand, the complement: MUC16 is on the minus strand). VCF-style: chr19-8908590-A-G. GRCh37 (hg19) VCF-style: chr19-9019266-A-G.
Other names: c.38224+9T>C (NM_001414686.1); c.37678+9T>C (NM_001414687.1); c.37612+9T>C (NM_024690.2).
Identifiers: ClinVar variation 3044963 (VCV003044963.2), dbSNP rs1297645378, ClinGen allele CA631388779.

ClinVar aggregate classification (germline): Likely benign (0 of 4 stars; one submission).

Conditions:
MUC16-related disorder. Also called: MUC16-related condition.

Allele frequency attached by ClinVar (database versions not stated): gnomAD exomes 0.00001.

Submission:

PreventionGenetics, part of Exact Sciences
Classification: Likely benign for MUC16-related condition. Last evaluated: 2019-10-28. Review status: no assertion criteria provided. Collection method: clinical testing. Allele origin: germline.
Comment: This variant is classified as likely benign based on ACMG/AMP sequence variant interpretation guidelines (Richards et al. 2015 PMID: 25741868, with internal and published modifications).